The following is an entry in ClinVar:

ClinVar aggregate classification (germline): Benign/Likely benign. Review status: criteria provided, multiple submitters, no conflicts (2 of 4 stars). 3 submissions from 3 submitters: Benign (1); Likely benign (2). Last evaluated 2025-03-14.

Conditions:
Pheochromocytoma/paraganglioma syndrome 3. Also called: Paragangliomas 3; SDHC-Related Hereditary Paraganglioma-Pheochromocytoma Syndrome (Paragangliomas 3); SDHC-Related Hereditary Paraganglioma-Pheochromocytoma Syndrome; GLOMUS TUMORS, FAMILIAL, 3. Identifiers: Orphanet 29072, MedGen C1854336, MONDO:0011544, OMIM 605373.
Gastrointestinal stromal tumor. Also called: Gastrointestinal stroma tumor; Gastrointestinal stromal tumor, somatic. Identifiers: Orphanet 44890, MedGen C0238198, MeSH D046152, MONDO:0011719, OMIM 606764, HP:0100723.
Hereditary cancer-predisposing syndrome. Also called: Neoplastic Syndromes, Hereditary; Hereditary Cancer Syndrome; Hereditary neoplastic syndrome; Tumor predisposition. Identifiers: Orphanet 140162, MedGen C0027672, MeSH D009386, MONDO:0015356.

Submissions (3):

Myriad Genetics, Inc.
Classification: Benign for Pheochromocytoma/paraganglioma syndrome 3. Last evaluated: 2025-03-14. Review status: criteria provided, single submitter. Criteria: Myriad Autosomal Dominant, Autosomal Recessive and X-Linked Classification Criteria (2023). Collection method: clinical testing. Allele origin: unknown.
Comment: This variant is considered benign. This variant is a silent/synonymous amino acid change and it is not expected to impact splicing.

Ambry Genetics
Classification: Likely benign for Hereditary cancer-predisposing syndrome. Last evaluated: 2024-09-09. Review status: criteria provided, single submitter. Criteria: Ambry Variant Classification Scheme 2023. Collection method: clinical testing. Allele origin: germline.

Labcorp Genetics (formerly Invitae), Labcorp
Classification: Likely benign for Pheochromocytoma/paraganglioma syndrome 3; Gastrointestinal stromal tumor. Last evaluated: 2024-07-20. Review status: criteria provided, single submitter. Criteria: Invitae Variant Classification Sherloc (09022015). Collection method: clinical testing. Allele origin: germline.

NM_003001.5(SDHC):c.96C>T (p.Thr32=)

Gene: SDHC (succinate dehydrogenase complex subunit C; plus strand). Cytogenetic location: 1q23.3.
Variant type: single nucleotide variant.
Coding change: c.96C>T on transcript NM_003001.5 (MANE Select); coding-DNA position 96, C replaced by T.
Protein change: p.Thr32=; no amino-acid change (threonine 32 retained).
Molecular consequence: synonymous variant. On other transcripts: 5 prime UTR variant (2), non-coding transcript variant (1), intron variant (4).
Genome position (GRCh38, 1-based): chr1:161,328,414, C>T. VCF-style: chr1-161328414-C-T. GRCh37 (hg19) VCF-style: chr1-161298204-C-T.
Other names: c.96C>T, p.Thr32= (NM_001035511.3, NM_001407115.1); c.39C>T, p.Thr13= (NM_001407116.1, NM_001407117.1, NM_001407121.1); c.-16C>T (NM_001407119.1, NM_001407120.1); c.77+4744C>T (NM_001035512.3, NM_001278172.3, NM_001407118.1); c.21-12180C>T (NM_001035513.3).
Identifiers: ClinVar variation 1095847 (VCV001095847.12), dbSNP rs1671145722, ClinGen allele CA421408512.